The following is an entry in ClinVar:

ClinVar aggregate classification (germline): other (0 of 4 stars; one submission).

Conditions:
Familial colorectal cancer. Identifiers: MedGen CN280943, MONDO:0023113. Disease mechanism: loss of function.

Submission:

Systems Biology Platform Zhejiang California International NanoSystems Institute
Classification: other for Familial colorectal cancer. Review status: no assertion criteria provided. Collection method: not provided. Allele origin: unknown.
ClinVar note: Converted during submission from cancer to other.

NM_000038.6(APC):c.-19+1872G>T

Gene: APC (APC regulator of WNT signaling pathway; plus strand). Cytogenetic location: 5q22.2.
Variant type: single nucleotide variant.
Coding change: c.-19+1872G>T on transcript NM_000038.6 (MANE Select); 1872 bases into the intron after 19 bases upstream of the start codon, G replaced by T.
Molecular consequence: intron variant.
Genome position (GRCh38, 1-based): chr5:112,739,797, G>T. VCF-style: chr5-112739797-G-T. GRCh37 (hg19) VCF-style: chr5-112075494-G-T.
Other names: c.-18-15076G>T (NM_001354895.2); c.166-26529G>T (NM_001354897.2, NM_001354902.2, NM_001127511.3); c.-19+1337G>T (NM_001127510.3); c.60+1337G>T (NM_001354898.2, NM_001354904.2); c.-1054+1872G>T (NM_001354906.2); c.-19+1872G>T (NM_001354896.2, NM_001354903.2, NM_001354899.2); c.-43+1872G>T (NM_001354900.2, NM_001354901.2, NM_001354905.2).
Identifiers: ClinVar variation 82336 (VCV000082336.2), dbSNP rs75812605, ClinGen allele CA006393.